The following is an entry in ClinVar:

NM_000282.4(PCCA):c.172C>T (p.Pro58Ser)

Gene: PCCA (propionyl-CoA carboxylase subunit alpha; plus strand). Cytogenetic location: 13q32.3.
Variant type: single nucleotide variant.
Coding change: c.172C>T on transcript NM_000282.4 (MANE Select); coding-DNA position 172, C replaced by T.
Protein change: p.Pro58Ser; replaces proline 58 with serine.
Molecular consequence: missense variant. On other transcripts: 5 prime UTR variant (3), non-coding transcript variant (4), intron variant (3).
Genome position (GRCh38, 1-based): chr13:100,102,949, C>T. VCF-style: chr13-100102949-C-T. GRCh37 (hg19) VCF-style: chr13-100755203-C-T.
Other names: c.172C>T, p.Pro58Ser (NM_001178004.2, NM_001352605.2, NM_001352606.2 and 1 more transcripts); c.-695C>T (NM_001352610.2, NM_001352611.2, NM_001352612.2); c.106-8892C>T (NM_001127692.3, NM_001352607.2, NM_001352608.2); c.172C>T (NM_000282.3); short protein forms P58S.
Identifiers: ClinVar variation 2189646 (VCV002189646.2), dbSNP rs753195550, ClinGen allele CA7033105.

ClinVar aggregate classification (germline): Conflicting classifications of pathogenicity. Review status: criteria provided, conflicting classifications (1 of 4 stars). 2 submissions from 2 submitters: Uncertain significance (1); Likely benign (1). Last evaluated 2023-12-26.

Conditions:
Inborn genetic diseases. Identifiers: MedGen C0950123, MeSH D030342.
Propionic acidemia (PROP). Also called: GLYCINEMIA, KETOTIC; HYPERGLYCINEMIA WITH KETOACIDOSIS AND LEUKOPENIA; KETOTIC HYPERGLYCINEMIA. Identifiers: Orphanet 35, MedGen C0268579, MONDO:0011628, OMIM 606054, HP:0003571.

Allele frequency attached by ClinVar (database versions not stated): ExAC 0.00002; gnomAD 0.00004; TOPMed 0.00005.
gnomAD v4.1: 11 of 1,593,706 alleles (0.00069%); highest among the groups gnomAD compares: African/African-American, 0.013%; no homozygotes.

Submissions (2):

Ambry Genetics
Classification: Likely benign for Inborn genetic diseases. Last evaluated: 2023-12-26. Review status: criteria provided, single submitter. Criteria: Ambry Variant Classification Scheme 2023. Collection method: clinical testing. Allele origin: germline.

Labcorp Genetics (formerly Invitae), Labcorp
Classification: Uncertain significance for Propionic acidemia. Last evaluated: 2022-08-07. Review status: criteria provided, single submitter. Criteria: Invitae Variant Classification Sherloc (09022015). Collection method: clinical testing. Allele origin: germline.
Comment: This sequence change replaces proline, which is neutral and non-polar, with serine, which is neutral and polar, at codon 58 of the PCCA protein (p.Pro58Ser). This variant is present in population databases (rs753195550, gnomAD 0.02%). This variant has not been reported in the literature in individuals affected with PCCA-related conditions. Advanced modeling of protein sequence and biophysical properties (such as structural, functional, and spatial information, amino acid conservation, physicochemical variation, residue mobility, and thermodynamic stability) performed at Invitae indicates that this missense variant is not expected to disrupt PCCA protein function. In summary, the available evidence is currently insufficient to determine the role of this variant in disease. Therefore, it has been classified as a Variant of Uncertain Significance.